The following is an entry in ClinVar:

NM_000433.4(NCF2):c.1273T>C (p.Trp425Arg)

Gene: NCF2 (neutrophil cytosolic factor 2; minus strand). Cytogenetic location: 1q25.3.
Variant type: single nucleotide variant.
Coding change: c.1273T>C on transcript NM_000433.4 (MANE Select); coding-DNA position 1273, T replaced by C.
Protein change: p.Trp425Arg; replaces tryptophan 425 with arginine.
Molecular consequence: missense variant.
Genome position (GRCh38, 1-based): chr1:183,563,212, A>G on the plus strand (T>C on the coding strand, the complement: NCF2 is on the minus strand). VCF-style: chr1-183563212-A-G. GRCh37 (hg19) VCF-style: chr1-183532347-A-G.
Other names: c.1273T>C, p.Trp425Arg (NM_001127651.3); c.1030T>C, p.Trp344Arg (NM_001190789.2); c.1138T>C, p.Trp380Arg (NM_001190794.2); short protein forms W344R, W380R, W425R.
Identifiers: ClinVar variation 1064002 (VCV001064002.8), dbSNP rs373876135, ClinGen allele CA1284630.

ClinVar aggregate classification (germline): Uncertain significance (1 of 4 stars; one submission).

Conditions:
Granulomatous disease, chronic, autosomal recessive, cytochrome b-positive, type 2. Also called: Chronic granulomatous disease due to deficiency of NCF-2; CGD, AUTOSOMAL RECESSIVE CYTOCHROME b-POSITIVE, TYPE II; GRANULOMATOUS DISEASE, CHRONIC, AUTOSOMAL RECESSIVE, 2; Chronic Granulomatous Disease, Autosomal Recessive, Cytochrome b-Positive, Type II; GRANULOMATOUS DISEASE, CHRONIC, DUE TO NCF2 DEFICIENCY. Identifiers: Orphanet 379, MedGen C1856245, MONDO:0009310, OMIM 233710.

Allele frequency attached by ClinVar (database versions not stated): TOPMed below 0.00001; ExAC 0.00001; gnomAD exomes 0.00003; ESP Exome Variant Server 0.00008.
gnomAD v4.1: 38 of 1,614,174 alleles (0.0024%); highest among the groups gnomAD compares: Non-Finnish European, 0.0032%; no homozygotes.

Submission:

Labcorp Genetics (formerly Invitae), Labcorp
Classification: Uncertain significance for Granulomatous disease, chronic, autosomal recessive, cytochrome b-positive, type 2. Last evaluated: 2020-06-15. Review status: criteria provided, single submitter. Criteria: Invitae Variant Classification Sherloc (09022015). Collection method: clinical testing. Allele origin: germline.
Comment: This variant has not been reported in the literature in individuals with NCF2-related conditions. This variant is present in population databases (rs373876135, ExAC 0.01%). This sequence change replaces tryptophan with arginine at codon 425 of the NCF2 protein (p.Trp425Arg). The tryptophan residue is highly conserved and there is a moderate physicochemical difference between tryptophan and arginine. Algorithms developed to predict the effect of missense changes on protein structure and function are either unavailable or do not agree on the potential impact of this missense change (SIFT: "Tolerated"; PolyPhen-2: "Probably Damaging"; Align-GVGD: "Class C0"). In summary, the available evidence is currently insufficient to determine the role of this variant in disease. Therefore, it has been classified as a Variant of Uncertain Significance.